The following is an entry in ClinVar:

ClinVar aggregate classification (germline): Benign. Review status: criteria provided, multiple submitters, no conflicts (2 of 4 stars). 4 submissions from 3 submitters: Benign (4). Last evaluated 2026-01-28.

Conditions:
Atrichia with papular lesions (APL). Also called: PAPULAR ATRICHIA. Identifiers: Orphanet 86819, MedGen C1859592, MONDO:0008847, OMIM 209500.
Alopecia universalis congenita (ALUNC). Also called: ATRICHIA, GENERALIZED. Identifiers: Orphanet 701, MedGen C1859877, MONDO:0008757, OMIM 203655.

Allele frequency attached by ClinVar (database versions not stated): gnomAD exomes 0.00057 and 0.00149; ESP Exome Variant Server 0.00275; ExAC 0.00340; gnomAD 0.00593 and 0.00633; TOPMed 0.00636; 1000 Genomes Project 0.00799; 1000 Genomes Project 30x 0.00812.

Submissions (4):

Labcorp Genetics (formerly Invitae), Labcorp
Classification: Benign. Last evaluated: 2026-01-28. Review status: criteria provided, single submitter. Criteria: Invitae Variant Classification Sherloc (09022015). Collection method: clinical testing. Allele origin: germline.

Illumina Laboratory Services, Illumina
Classification: Benign for Atrichia with papular lesions. Last evaluated: 2018-01-13. Review status: criteria provided, single submitter. Criteria: ICSL Variant Classification Criteria 13 December 2019. Collection method: clinical testing. Allele origin: germline.
Comment: This variant was observed in the ICSL laboratory as part of a predisposition screen in an ostensibly healthy population. It had not been previously curated by ICSL or reported in the Human Gene Mutation Database (HGMD: prior to June 1st, 2018), and was therefore a candidate for classification through an automated scoring system. Utilizing variant allele frequency, disease prevalence and penetrance estimates, and inheritance mode, an automated score was calculated to assess if this variant is too frequent to cause the disease. Based on the score and internal cut-off values, a variant classified as benign is not then subjected to further curation. The score for this variant resulted in a classification of benign for this disease.

Illumina Laboratory Services, Illumina
Classification: Benign for Alopecia universalis congenita. Last evaluated: 2018-01-13. Review status: criteria provided, single submitter. Criteria: ICSL Variant Classification Criteria 13 December 2019. Collection method: clinical testing. Allele origin: germline.
Comment: the same text as in the submission from Illumina Laboratory Services, Illumina above.

Breakthrough Genomics
Classification: Benign. Review status: criteria provided, single submitter. Criteria: ACMG Guidelines, 2015. Collection method: not provided. Allele origin: germline. Inheritance: Autosomal recessive inheritance. Affected: yes.

NM_005144.5(HR):c.3253C>G (p.Pro1085Ala)

Gene: HR (HR lysine demethylase and nuclear receptor corepressor; minus strand). Cytogenetic location: 8p21.3.
Variant type: single nucleotide variant.
Coding change: c.3253C>G on transcript NM_005144.5 (MANE Select); coding-DNA position 3253, C replaced by G.
Protein change: p.Pro1085Ala; replaces proline 1085 with alanine.
Molecular consequence: missense variant. On other transcripts: intron variant (1).
Genome position (GRCh38, 1-based): chr8:22,117,000, G>C on the plus strand (C>G on the coding strand, the complement: HR is on the minus strand). VCF-style: chr8-22117000-G-C. GRCh37 (hg19) VCF-style: chr8-21974513-G-C.
Other names: c.3214-572C>G (NM_018411.4); short protein forms P1085A.
Identifiers: ClinVar variation 910709 (VCV000910709.9), dbSNP rs143782421, ClinGen allele CA4661821.